The following is an entry in ClinVar:

NM_015559.3(SETBP1):c.3056G>A (p.Arg1019His)

Gene: SETBP1 (SET binding protein 1; plus strand). Cytogenetic location: 18q12.3.
Variant type: single nucleotide variant.
Coding change: c.3056G>A on transcript NM_015559.3 (MANE Select); coding-DNA position 3056, G replaced by A.
Protein change: p.Arg1019His; replaces arginine 1019 with histidine.
Molecular consequence: missense variant.
Genome position (GRCh38, 1-based): chr18:44,952,396, G>A. VCF-style: chr18-44952396-G-A. GRCh37 (hg19) VCF-style: chr18-42532361-G-A.
Other names: p.Arg1019His; c.3056G>A, p.Arg1019His (NM_001379141.1, NM_001379142.1, NM_001410862.1); short protein forms R1019H.
Identifiers: ClinVar variation 2683457 (VCV002683457.7), dbSNP rs140544874, ClinGen allele CA8945848.

ClinVar aggregate classification (germline): Conflicting classifications of pathogenicity. Review status: criteria provided, conflicting classifications (1 of 4 stars). 5 submissions from 5 submitters: Uncertain significance (3); Benign (1); Likely benign (1). Last evaluated 2026-09-08.

Conditions:
Inborn genetic diseases. Identifiers: MedGen C0950123, MeSH D030342.

Allele frequency attached by ClinVar (database versions not stated): gnomAD 0.00003; gnomAD exomes 0.00002; ExAC 0.00001; TOPMed 0.00004; ESP Exome Variant Server 0.00008.
gnomAD v4.1: 28 of 1,614,012 alleles (0.0017%); highest among the groups gnomAD compares: African/African-American, 0.004%; no homozygotes.

Submissions (5):

Ambry Genetics
Classification: Uncertain significance for Inborn genetic diseases. Last evaluated: 2026-09-08. Review status: criteria provided, single submitter. Criteria: Ambry Variant Classification Scheme 2023. Collection method: clinical testing. Allele origin: germline.
Comment: The c.3056G>A (p.R1019H) alteration is located in exon 4 (coding exon 3) of the SETBP1 gene. This alteration results from a G to A substitution at nucleotide position 3056, causing the arginine (R) at amino acid position 1019 to be replaced by a histidine (H). Based on data from gnomAD, the A allele has an overall frequency of 0.001% (2/251388) total alleles studied. The highest observed frequency was 0.002% (2/113672) of European (non-Finnish) alleles. Based on insufficient or conflicting evidence, the clinical significance of this alteration remains unclear.

Women's Health and Genetics/Laboratory Corporation of America, LabCorp
Classification: Uncertain significance. Last evaluated: 2026-03-13. Review status: criteria provided, single submitter. Criteria: LabCorp Variant Classification Summary - May 2015. Collection method: clinical testing. Allele origin: germline.
Comment: Variant summary: SETBP1 c.3056G>A (p.Arg1019His) results in a non-conservative amino acid change in the encoded protein sequence. Algorithms developed to predict the effect of missense changes on protein structure and function all suggest that this variant is likely to be disruptive. The variant allele was found at a frequency of 8e-06 in 251388 control chromosomes. The available data on variant occurrences in the general population are insufficient to allow any conclusion about variant significance. To our knowledge, no occurrence of c.3056G>A in individuals affected with SETBP1-related conditions and no experimental evidence demonstrating its impact on protein function have been reported. ClinVar contains an entry for this variant (Variation ID: 2683457). Based on the evidence outlined above, the variant was classified as uncertain significance.

Labcorp Genetics (formerly Invitae), Labcorp
Classification: Benign. Last evaluated: 2026-02-03. Review status: criteria provided, single submitter. Criteria: Invitae Variant Classification Sherloc (09022015). Collection method: clinical testing. Allele origin: germline.

Laboratory of Genetics, Children's Clinical University Hospital Latvia
Classification: Likely benign. Last evaluated: 2025-02-16. Review status: criteria provided, single submitter. Criteria: ACMG Guidelines, 2015. Collection method: clinical testing. Allele origin: germline. Affected: yes.

Mayo Clinic Laboratories, Mayo Clinic
Classification: Uncertain significance. Last evaluated: 2022-05-27. Review status: criteria provided, single submitter. Criteria: ACMG Guidelines, 2015. Collection method: clinical testing. Allele origin: germline. Observed: 1 variant allele.
Comment: BS2, PP3